The following is an entry in ClinVar:

ClinVar aggregate classification (germline): Pathogenic (1 of 4 stars; one submission).

Conditions:
Cohen syndrome (COH1). Also called: PEPPER SYNDROME; Cutis verticis gyrata, retinitis pigmentosa, and sensorineural deafness. Identifiers: Orphanet 193, MedGen C0265223, MONDO:0008999, OMIM 216550.

Allele frequency attached by ClinVar (database versions not stated): TOPMed below 0.00001; gnomAD 0.00001; gnomAD exomes 0.00001.
gnomAD v4.1: 19 of 1,602,098 alleles (0.0012%); highest among the groups gnomAD compares: Non-Finnish European, 0.0014%; no homozygotes.

Submission:

Labcorp Genetics (formerly Invitae), Labcorp
Classification: Pathogenic for Cohen syndrome. Last evaluated: 2025-10-22. Review status: criteria provided, single submitter. Criteria: Invitae Variant Classification Sherloc (09022015). Collection method: clinical testing. Allele origin: germline.
Comment: This sequence change creates a premature translational stop signal (p.Gln3736*) in the VPS13B gene. It is expected to result in an absent or disrupted protein product. Loss-of-function variants in VPS13B are known to be pathogenic (PMID: 15141358, 16648375, 20461111). This variant is present in population databases (no rsID available, gnomAD 0.005%). This variant has not been reported in the literature in individuals affected with VPS13B-related conditions. ClinVar contains an entry for this variant (Variation ID: 844524). Algorithms developed to predict the effect of sequence changes on RNA splicing suggest that this variant may disrupt the consensus splice site. For these reasons, this variant has been classified as Pathogenic.

Literature cited by the submitters: PubMed 15141358; PubMed 16648375; PubMed 20461111.

NM_152564.5(VPS13B):c.11131C>T (p.Gln3711Ter)

Gene: VPS13B (vacuolar protein sorting 13 homolog B; plus strand). Cytogenetic location: 8q22.2.
Variant type: single nucleotide variant.
Coding change: c.11131C>T on transcript NM_152564.5 (MANE Select); coding-DNA position 11131, C replaced by T.
Protein change: p.Gln3711Ter; replaces glutamine 3711 with a stop codon.
Molecular consequence: nonsense.
Genome position (GRCh38, 1-based): chr8:99,861,862, C>T. VCF-style: chr8-99861862-C-T. GRCh37 (hg19) VCF-style: chr8-100874090-C-T.
Other names: c.11206C>T, p.Gln3736Ter (NM_017890.5); short protein forms Q3711*, Q3736*.
Identifiers: ClinVar variation 844524 (VCV000844524.7), dbSNP rs1451352816, ClinGen allele CA371790555.